The following is an entry in ClinVar:

ClinVar aggregate classification (germline): Conflicting classifications of pathogenicity. Review status: criteria provided, conflicting classifications (1 of 4 stars). 6 submissions from 6 submitters: Pathogenic (1); Likely pathogenic (1); Uncertain significance (4). Last evaluated 2026-07-08.

Conditions:
CDH23-related disorder. Also called: CDH23-related condition; CDH23-related disorders.
Usher syndrome type 1D (USH1D). Also called: USHER SYNDROME, TYPE ID. Identifiers: Orphanet 231169, Orphanet 886, MedGen C1832845, MONDO:0010984, OMIM 601067.
Autosomal recessive nonsyndromic hearing loss 12. Also called: DEAFNESS, AUTOSOMAL RECESSIVE 12. Identifiers: Orphanet 90636, MedGen C1832394, MONDO:0011067, OMIM 601386.
Pituitary adenoma 5, multiple types. Identifiers: MedGen C4539685, MONDO:0054601, OMIM 617540.

Allele frequency attached by ClinVar (database versions not stated): ExAC 0.00002; gnomAD exomes 0.00002; TOPMed 0.00002; ESP Exome Variant Server 0.00008.
gnomAD v4.1: 37 of 1,613,764 alleles (0.0023%); highest among the groups gnomAD compares: Non-Finnish European, 0.0029%; no homozygotes.

Submissions (6):

PreventionGenetics, part of Exact Sciences
Classification: Uncertain significance for CDH23-related condition. Last evaluated: 2026-07-08. Review status: criteria provided, single submitter. Criteria: ACMG Guidelines, 2015. Collection method: clinical testing. Allele origin: germline.
Comment: The CDH23 c.9199-4G>A variant is predicted to interfere with splicing. This variant, alternatively referred to as IVS62-4 in the literature, has been reported in the compound heterozygous state in an individual with Usher syndrome type 1 (Lenarduzzi et al. 2015. PubMed ID: 25575603) and along with a second CDH23 variant in an individual with sensorineural hearing loss (Cesca et al. 2020. PubMed ID: 32467589). An additional individual with Usher syndrome has been reported to have this variant along with two other causative CDH23 variants, making it uncertain this variant's role in pathogenicity (Wang et al. 2021. PubMed ID: 34744965). This variant is reported in 0.0035% of alleles in individuals of European (non-Finnish) descent in gnomAD and has conflicting interpretations in ClinVar ranging from uncertain to pathogenic (Variation ID: 1127898). Although we suspect that this variant may be pathogenic, at this time, the clinical significance of this variant is uncertain due to the absence of conclusive functional and genetic evidence.

Labcorp Genetics (formerly Invitae), Labcorp
Classification: Pathogenic. Last evaluated: 2025-03-17. Review status: criteria provided, single submitter. Criteria: Invitae Variant Classification Sherloc (09022015). Collection method: clinical testing. Allele origin: germline.
Comment: This sequence change falls in intron 63 of the CDH23 gene. It does not directly change the encoded amino acid sequence of the CDH23 protein. This variant is present in population databases (rs369900526, gnomAD 0.003%). This variant has been observed in individual(s) with CDH23-related conditions (PMID: 25575603, 32467589, 33576794). In at least one individual the data is consistent with being in trans (on the opposite chromosome) from a pathogenic variant. ClinVar contains an entry for this variant (Variation ID: 1127898). Algorithms developed to predict the effect of sequence changes on RNA splicing suggest that this variant is not likely to affect RNA splicing. For these reasons, this variant has been classified as Pathogenic.

GeneDx
Classification: Uncertain significance. Last evaluated: 2024-11-18. Review status: criteria provided, single submitter. Criteria: GeneDx Variant Classification Process June 2021. Collection method: clinical testing. Allele origin: germline. Affected: yes.
Comment: See Variant Classification Assertion Criteria.

Fulgent Genetics
Classification: Likely pathogenic for Usher syndrome type 1D; Autosomal recessive nonsyndromic hearing loss 12; Pituitary adenoma 5, multiple types. Last evaluated: 2024-06-24. Review status: criteria provided, single submitter. Criteria: ACMG Guidelines, 2015. Collection method: clinical testing. Allele origin: germline.

Women's Health and Genetics/Laboratory Corporation of America, LabCorp
Classification: Uncertain significance. Last evaluated: 2023-07-11. Review status: criteria provided, single submitter. Criteria: LabCorp Variant Classification Summary - May 2015. Collection method: clinical testing. Allele origin: germline.
Comment: Variant summary: CDH23 c.9199-4G>A alters a non-conserved nucleotide located close to a canonical splice site and therefore could affect mRNA splicing, leading to a significantly altered protein sequence. 4/4 computational tools predict no significant impact on normal splicing. However, these predictions have yet to be confirmed by functional studies. The variant allele was found at a frequency of 2e-05 in 249130 control chromosomes (gnomAD). c.9199-4G>A has been reported in the literature in individuals affected with Usher Syndrome (Lenarduzzi_2015, Colombo_2021, Wang_2021) and Non-syndromic hearing loss (Cesca_2020). These data indicate that the variant may be associated with disease. To our knowledge, no experimental evidence demonstrating an impact on protein function has been reported. The following publications have been ascertained in the context of this evaluation (PMID: 32467589, 33576794, 25575603, 34744965). Two ClinVar submitters have assessed the variant since 2014: one classified the variant as likely benign and the other classified the variant as pathogenic. Based on the evidence outlined above, the variant was classified as VUS-possibly pathogenic.

Blueprint Genetics
Classification: Uncertain significance. Last evaluated: 2022-04-25. Review status: criteria provided, single submitter. Criteria: ACMG Guidelines, 2015. Collection method: clinical testing. Allele origin: germline.

Literature cited by the submitters: PubMed 25575603 (cited by Labcorp Genetics (formerly Invitae), Labcorp and Women's Health and Genetics/Laboratory Corporation of America, LabCorp); PubMed 32467589 (cited by Labcorp Genetics (formerly Invitae), Labcorp and Women's Health and Genetics/Laboratory Corporation of America, LabCorp); PubMed 33576794 (cited by Labcorp Genetics (formerly Invitae), Labcorp and Women's Health and Genetics/Laboratory Corporation of America, LabCorp); PubMed 34744965 (cited by Women's Health and Genetics/Laboratory Corporation of America, LabCorp).

NM_022124.6(CDH23):c.9199-4G>A

Gene: CDH23 (cadherin related 23; plus strand). Cytogenetic location: 10q22.1.
Variant type: single nucleotide variant.
Coding change: c.9199-4G>A on transcript NM_022124.6 (MANE Select); 4 bases into the intron before coding-DNA position 9199, G replaced by A.
Molecular consequence: intron variant.
Genome position (GRCh38, 1-based): chr10:71,811,507, G>A. VCF-style: chr10-71811507-G-A. GRCh37 (hg19) VCF-style: chr10-73571264-G-A.
Other names: c.9199-4G>A (NM_022124.5); c.2479-4G>A (NM_001171933.1, NM_001171934.1).
Identifiers: ClinVar variation 1127898 (VCV001127898.15), dbSNP rs369900526, ClinGen allele CA5546932.
Genomic context (GRCh38, chr10:71,811,507, plus strand): 5'-CCGTGCCCCACAGCCCTAGCCGCCCTCCCCACTGCCCGGGCTTACCCTGGTCCTGCTCCC[G>A]CAGATGGCGATCATCGTCCTGGCTATCCTCCTGTTCCTGGCCGCCATGCTCTTTGTCCTC-3'